The following is an entry in ClinVar:

NM_004606.5(TAF1):c.-3A>G

Gene: TAF1 (TATA-box binding protein associated factor 1; plus strand). Cytogenetic location: Xq13.1.
Variant type: single nucleotide variant.
Coding change: c.-3A>G on transcript NM_004606.5 (MANE Select); 3 bases upstream of the start codon, A replaced by G.
Molecular consequence: 5 prime UTR variant. On other transcripts: non-coding transcript variant (9).
Genome position (GRCh38, 1-based): chrX:71,366,372, A>G. VCF-style: chrX-71366372-A-G. GRCh37 (hg19) VCF-style: chrX-70586222-A-G.
Other names: c.-3A>G (NM_001286074.2, NM_138923.4).
Identifiers: ClinVar variation 3371384 (VCV003371384.2).

ClinVar aggregate classification (germline): Uncertain significance (1 of 4 stars; one submission).

gnomAD v4.1: 1 of 1,210,870 alleles (0.000083%); highest among the groups gnomAD compares: South Asian, 0.0018%; no homozygotes.

Submission:

GeneDx
Classification: Uncertain significance. Last evaluated: 2026-09-16. Review status: criteria provided, single submitter. Criteria: GeneDx Variant Classification Process June 2021. Collection method: clinical testing. Allele origin: germline.
Comment: Not observed at significant frequency in large population cohorts (gnomAD); In silico analysis suggests that this missense variant does not alter protein structure/function; Has not been previously published as pathogenic or benign to our knowledge